The following is an entry in ClinVar:

ClinVar aggregate classification (germline): Uncertain significance (1 of 4 stars; one submission).

Allele frequency attached by ClinVar (database versions not stated): gnomAD exomes below 0.00001; ExAC 0.00001.
gnomAD v4.1: 2 of 1,614,256 alleles (0.00012%); highest among the groups gnomAD compares: Non-Finnish European, 0.00017%; no homozygotes.

Submission:

Labcorp Genetics (formerly Invitae), Labcorp
Classification: Uncertain significance. Last evaluated: 2023-02-08. Review status: criteria provided, single submitter. Criteria: Invitae Variant Classification Sherloc (09022015). Collection method: clinical testing. Allele origin: germline.
Comment: In summary, the available evidence is currently insufficient to determine the role of this variant in disease. Therefore, it has been classified as a Variant of Uncertain Significance. Algorithms developed to predict the effect of missense changes on protein structure and function are either unavailable or do not agree on the potential impact of this missense change (SIFT: "Deleterious"; PolyPhen-2: "Possibly Damaging"; Align-GVGD: "Class C0"). This variant has not been reported in the literature in individuals affected with RNF43-related conditions. This variant is present in population databases (rs762393748, gnomAD 0.0009%). This sequence change replaces leucine, which is neutral and non-polar, with tryptophan, which is neutral and slightly polar, at codon 65 of the RNF43 protein (p.Leu65Trp).

NM_017763.6(RNF43):c.194T>G (p.Leu65Trp)

Gene: RNF43 (ring finger protein 43; minus strand). Cytogenetic location: 17q22.
Variant type: single nucleotide variant.
Coding change: c.194T>G on transcript NM_017763.6 (MANE Select); coding-DNA position 194, T replaced by G.
Protein change: p.Leu65Trp; replaces leucine 65 with tryptophan.
Molecular consequence: missense variant.
Genome position (GRCh38, 1-based): chr17:58,415,384, A>C on the plus strand (T>G on the coding strand, the complement: RNF43 is on the minus strand). VCF-style: chr17-58415384-A-C. GRCh37 (hg19) VCF-style: chr17-56492745-A-C.
Other names: c.194T>G, p.Leu65Trp (NM_001305544.3); short protein forms L65W.
Identifiers: ClinVar variation 2835294 (VCV002835294.3), dbSNP rs762393748, ClinGen allele CA8673500.
Genomic context (GRCh38, chr17:58,415,384, plus strand): 5'-GCCTGCATTAATTTTCCTTCTGCTGGAGTTATTTCAGCAACACCAGCAAACACACCTTCC[A>C]AAGTGAGATTCAGTTTTCCTGTGGGGTCCATTTTCAAGGGGATCACTCTGATAATAGCTT-3'
Protein context (NP_060233.3, residues 55-75): MDPTGKLNLT[Leu65Trp]EGVFAGVAEI